The following is an entry in ClinVar:

ClinVar aggregate classification (germline): Uncertain significance. Review status: criteria provided, multiple submitters, no conflicts (2 of 4 stars). 2 submissions from 2 submitters: Uncertain significance (2). Last evaluated 2023-09-15.

Conditions:
Neuropathy, hereditary sensory and autonomic, type 2A (HSAN2A). Also called: ACROOSTEOLYSIS, GIACCAI TYPE; ACROOSTEOLYSIS, NEUROGENIC; MORVAN DISEASE; NEUROPATHY, CONGENITAL SENSORY; NEUROPATHY, HEREDITARY SENSORY RADICULAR, AUTOSOMAL RECESSIVE; NEUROPATHY, HEREDITARY SENSORY, TYPE IIA. Identifiers: Orphanet 970, MedGen C2752089, MONDO:0024309, OMIM 201300.
Pseudohypoaldosteronism type 2C (PHA2C). Also called: Pseudohypoaldosteronism Type IIC. Identifiers: Orphanet 757, Orphanet 88940, MedGen C1840391, MONDO:0013778, OMIM 614492.
Inborn genetic diseases. Identifiers: MedGen C0950123, MeSH D030342.

Allele frequency attached by ClinVar (database versions not stated): gnomAD exomes below 0.00001; TOPMed 0.00001.
gnomAD v4.1: 3 of 1,614,218 alleles (0.00019%); highest among the groups gnomAD compares: Admixed American, 0.0033%; no homozygotes.

Submissions (2):

Labcorp Genetics (formerly Invitae), Labcorp
Classification: Uncertain significance for Neuropathy, hereditary sensory and autonomic, type 2A; Pseudohypoaldosteronism type 2C. Last evaluated: 2023-09-15. Review status: criteria provided, single submitter. Criteria: Invitae Variant Classification Sherloc (09022015). Collection method: clinical testing. Allele origin: germline.
Comment: ClinVar contains an entry for this variant (Variation ID: 2080386). This variant has not been reported in the literature in individuals affected with WNK1-related conditions. This variant is not present in population databases (gnomAD no frequency). This sequence change replaces serine, which is neutral and polar, with leucine, which is neutral and non-polar, at codon 2142 of the WNK1 protein (p.Ser2142Leu). Advanced modeling of protein sequence and biophysical properties (such as structural, functional, and spatial information, amino acid conservation, physicochemical variation, residue mobility, and thermodynamic stability) performed at Invitae indicates that this missense variant is not expected to disrupt WNK1 protein function. In summary, the available evidence is currently insufficient to determine the role of this variant in disease. Therefore, it has been classified as a Variant of Uncertain Significance.

Ambry Genetics
Classification: Uncertain significance for Inborn genetic diseases. Last evaluated: 2023-01-12. Review status: criteria provided, single submitter. Criteria: Ambry Variant Classification Scheme 2023. Collection method: clinical testing. Allele origin: germline.

NM_018979.4(WNK1):c.5669C>T (p.Ser1890Leu)

Gene: WNK1 (WNK lysine deficient protein kinase 1; plus strand). Cytogenetic location: 12p13.33.
Variant type: single nucleotide variant.
Coding change: c.5669C>T on transcript NM_018979.4 (MANE Select); coding-DNA position 5669, C replaced by T.
Protein change: p.Ser1890Leu; replaces serine 1890 with leucine.
Molecular consequence: missense variant.
Genome position (GRCh38, 1-based): chr12:896,156, C>T. VCF-style: chr12-896156-C-T. GRCh37 (hg19) VCF-style: chr12-1005322-C-T.
Other names: c.6425C>T (NM_213655.4); c.6449C>T, p.Ser2150Leu (NM_001184985.2); c.4925C>T, p.Ser1642Leu (NM_014823.3); c.6425C>T, p.Ser2142Leu (NM_213655.5); short protein forms S1642L, S2150L, S2142L, S1890L.
Identifiers: ClinVar variation 2080386 (VCV002080386.6), dbSNP rs1954717328, ClinGen allele CA383334708.